The following is an entry in ClinVar:

NM_004260.4(RECQL4):c.2756-5C>G

Gene: RECQL4 (RecQ like helicase 4; minus strand). Cytogenetic location: 8q24.3.
Variant type: single nucleotide variant.
Coding change: c.2756-5C>G on transcript NM_004260.4 (MANE Select); 5 bases into the intron before coding-DNA position 2756, C replaced by G.
Molecular consequence: intron variant.
Genome position (GRCh38, 1-based): chr8:144,512,776, G>C on the plus strand (C>G on the coding strand, the complement: RECQL4 is on the minus strand). VCF-style: chr8-144512776-G-C. GRCh37 (hg19) VCF-style: chr8-145738159-G-C.
Identifiers: ClinVar variation 842070 (VCV000842070.6), dbSNP rs541518527, ClinGen allele CA187681055.

ClinVar aggregate classification (germline): Uncertain significance (1 of 4 stars; one submission).

Conditions:
Baller-Gerold syndrome (BGS). Also called: CRANIOSYNOSTOSIS WITH RADIAL DEFECTS. Identifiers: Orphanet 1225, MedGen C0265308, MONDO:0009039, OMIM 218600.

Submission:

Labcorp Genetics (formerly Invitae), Labcorp
Classification: Uncertain significance for Baller-Gerold syndrome. Last evaluated: 2025-10-16. Review status: criteria provided, single submitter. Criteria: Invitae Variant Classification Sherloc (09022015). Collection method: clinical testing. Allele origin: germline.
Comment: This sequence change falls in intron 15 of the RECQL4 gene. It does not directly change the encoded amino acid sequence of the RECQL4 protein. This variant is not present in population databases (gnomAD no frequency). This variant has not been reported in the literature in individuals affected with RECQL4-related conditions. ClinVar contains an entry for this variant (Variation ID: 842070). Algorithms developed to predict the effect of sequence changes on RNA splicing suggest that this variant may disrupt the consensus splice site. In summary, the available evidence is currently insufficient to determine the role of this variant in disease. Therefore, it has been classified as a Variant of Uncertain Significance.